The following is an entry in ClinVar:

NM_207361.6(FREM2):c.*223C>T

Gene: FREM2 (FRAS1 related extracellular matrix 2; plus strand). Cytogenetic location: 13q13.3.
Variant type: single nucleotide variant.
Coding change: c.*223C>T on transcript NM_207361.6 (MANE Select); 223 bases downstream of the stop codon, C replaced by T.
Molecular consequence: 3 prime UTR variant.
Genome position (GRCh38, 1-based): chr13:38,881,010, C>T. VCF-style: chr13-38881010-C-T. GRCh37 (hg19) VCF-style: chr13-39455147-C-T.
Identifiers: ClinVar variation 883605 (VCV000883605.4), dbSNP rs115575417, ClinGen allele CA248323048.

ClinVar aggregate classification (germline): Likely benign (1 of 4 stars; one submission).

Conditions:
Fraser syndrome 2 (FRASRS2). Identifiers: MedGen C4540036, MONDO:0054738, OMIM 617666.

Allele frequency attached by ClinVar (database versions not stated): TOPMed 0.00297; 1000 Genomes Project 0.00339; 1000 Genomes Project 30x 0.00359.
gnomAD v4.1: 624 of 614,140 alleles (0.1%); highest among the groups gnomAD compares: African/African-American, 1%; 3 homozygotes.

Submission:

Illumina Laboratory Services, Illumina
Classification: Likely benign for Fraser syndrome 2. Last evaluated: 2018-01-12. Review status: criteria provided, single submitter. Criteria: ICSL Variant Classification Criteria 13 December 2019. Collection method: clinical testing. Allele origin: germline.
Comment: This variant was observed in the ICSL laboratory as part of a predisposition screen in an ostensibly healthy population. It had not been previously curated by ICSL or reported in the Human Gene Mutation Database (HGMD: prior to June 1st, 2018), and was therefore a candidate for classification through an automated scoring system. Utilizing variant allele frequency, disease prevalence and penetrance estimates, and inheritance mode, an automated score was calculated to assess if this variant is too frequent to cause the disease. Based on the score and internal cut-off values, a variant classified as likely benign is not then subjected to further curation. The score for this variant resulted in a classification of likely benign for this disease.